The following is an entry in ClinVar:

NM_014363.6(SACS):c.3918T>C (p.Asn1306=)

Gene: SACS (sacsin molecular chaperone; minus strand). Cytogenetic location: 13q12.12.
Variant type: single nucleotide variant.
Coding change: c.3918T>C on transcript NM_014363.6 (MANE Select); coding-DNA position 3918, T replaced by C.
Protein change: p.Asn1306=; no amino-acid change (asparagine 1306 retained).
Molecular consequence: synonymous variant.
Genome position (GRCh38, 1-based): chr13:23,339,958, A>G on the plus strand (T>C on the coding strand, the complement: SACS is on the minus strand). VCF-style: chr13-23339958-A-G. GRCh37 (hg19) VCF-style: chr13-23914097-A-G.
Other names: c.3477T>C, p.Asn1159= (NM_001278055.2); c.3918T>C (NM_014363.4).
Identifiers: ClinVar variation 740084 (VCV000740084.9), dbSNP rs774765353, ClinGen allele CA6911456.

ClinVar aggregate classification (germline): Likely benign. Review status: criteria provided, multiple submitters, no conflicts (2 of 4 stars). 2 submissions from 2 submitters: Likely benign (2). Last evaluated 2025-08-08.

Conditions:
Spastic paraplegia. Identifiers: MedGen C0037772, HP:0001258.

Allele frequency attached by ClinVar (database versions not stated): TOPMed below 0.00001; ExAC 0.00001; gnomAD exomes 0.00001; gnomAD 0.00001.
gnomAD v4.1: 4 of 1,613,764 alleles (0.00025%); highest among the groups gnomAD compares: Admixed American, 0.0067%; no homozygotes.

Submissions (2):

Athena Diagnostics
Classification: Likely benign. Last evaluated: 2025-08-08. Review status: criteria provided, single submitter. Criteria: Athena Diagnostics Criteria. Collection method: clinical testing. Allele origin: unknown.
Comment: Computational tools yielded predictions that this variant is unlikely to have an effect on normal RNA splicing. This nucleotide position exhibits low evolutionary conservation.

Labcorp Genetics (formerly Invitae), Labcorp
Classification: Likely benign for Spastic paraplegia. Last evaluated: 2023-07-06. Review status: criteria provided, single submitter. Criteria: Invitae Variant Classification Sherloc (09022015). Collection method: clinical testing. Allele origin: germline.